The following is an entry in ClinVar:

NM_000321.3(RB1):c.2035A>C (p.Ile679Leu)

Gene: RB1 (RB transcriptional corepressor 1; plus strand). Cytogenetic location: 13q14.2.
Variant type: single nucleotide variant.
Coding change: c.2035A>C on transcript NM_000321.3 (MANE Select); coding-DNA position 2035, A replaced by C.
Protein change: p.Ile679Leu; replaces isoleucine 679 with leucine.
Molecular consequence: missense variant.
Genome position (GRCh38, 1-based): chr13:48,459,762, A>C. VCF-style: chr13-48459762-A-C. GRCh37 (hg19) VCF-style: chr13-49033898-A-C.
Other names: c.2035A>C, p.Ile679Leu (NM_001407165.1); short protein forms I679L.
Identifiers: ClinVar variation 2713014 (VCV002713014.3), dbSNP rs897199998, ClinGen allele CA388166811.

ClinVar aggregate classification (germline): Uncertain significance (1 of 4 stars; one submission).

Conditions:
Retinoblastoma (RB1). Also called: RETINOBLASTOMA, SOMATIC. Identifiers: Orphanet 790, MedGen C0035335, MeSH D012175, MONDO:0008380, OMIM 180200, HP:0009919. Disease mechanism: loss of function. Inheritance: Both sporadic and heritable forms are tested..

Submission:

Labcorp Genetics (formerly Invitae), Labcorp
Classification: Uncertain significance for Retinoblastoma. Last evaluated: 2023-10-22. Review status: criteria provided, single submitter. Criteria: Invitae Variant Classification Sherloc (09022015). Collection method: clinical testing. Allele origin: germline.
Comment: This sequence change replaces isoleucine, which is neutral and non-polar, with leucine, which is neutral and non-polar, at codon 679 of the RB1 protein (p.Ile679Leu). This variant is not present in population databases (gnomAD no frequency). This variant has not been reported in the literature in individuals affected with RB1-related conditions. Advanced modeling of protein sequence and biophysical properties (such as structural, functional, and spatial information, amino acid conservation, physicochemical variation, residue mobility, and thermodynamic stability) performed at Invitae indicates that this missense variant is not expected to disrupt RB1 protein function. In summary, the available evidence is currently insufficient to determine the role of this variant in disease. Therefore, it has been classified as a Variant of Uncertain Significance.